The following is an entry in ClinVar:

NM_001008537.3(NEXMIF):c.65G>A (p.Gly22Glu)

Gene: NEXMIF (neurite extension and migration factor; minus strand). Cytogenetic location: Xq13.3.
Variant type: single nucleotide variant.
Coding change: c.65G>A on transcript NM_001008537.3 (MANE Select); coding-DNA position 65, G replaced by A.
Protein change: p.Gly22Glu; replaces glycine 22 with glutamic acid.
Molecular consequence: missense variant.
Genome position (GRCh38, 1-based): chrX:74,745,586, C>T on the plus strand (G>A on the coding strand, the complement: NEXMIF is on the minus strand). VCF-style: chrX-74745586-C-T. GRCh37 (hg19) VCF-style: chrX-73965421-C-T.
Other names: short protein forms G22E.
Identifiers: ClinVar variation 1043528 (VCV001043528.8), dbSNP rs1279118470, ClinGen allele CA413674502.

ClinVar aggregate classification (germline): Uncertain significance (1 of 4 stars; one submission).

Allele frequency attached by ClinVar (database versions not stated): gnomAD exomes below 0.00001 and 0.00001.
gnomAD v4.1: 3 of 1,192,413 alleles (0.00025%); highest among the groups gnomAD compares: African/African-American, 0.0017%; no homozygotes.

Submission:

Labcorp Genetics (formerly Invitae), Labcorp
Classification: Uncertain significance. Last evaluated: 2020-10-01. Review status: criteria provided, single submitter. Criteria: Invitae Variant Classification Sherloc (09022015). Collection method: clinical testing. Allele origin: germline.
Comment: This variant has not been reported in the literature in individuals with NEXMIF-related conditions. Algorithms developed to predict the effect of missense changes on protein structure and function output the following: SIFT: "Deleterious"; PolyPhen-2: "Possibly Damaging"; Align-GVGD: "Class C65". The glutamic acid amino acid residue is found in multiple mammalian species, suggesting that this missense change does not adversely affect protein function. These predictions have not been confirmed by published functional studies and their clinical significance is uncertain. In summary, the available evidence is currently insufficient to determine the role of this variant in disease. Therefore, it has been classified as a Variant of Uncertain Significance. This variant is not present in population databases (ExAC no frequency). This sequence change replaces glycine with glutamic acid at codon 22 of the NEXMIF protein (p.Gly22Glu). The glycine residue is highly conserved and there is a moderate physicochemical difference between glycine and glutamic acid.